The following is an entry in ClinVar:

ClinVar aggregate classification (germline): Uncertain significance (1 of 4 stars; one submission).

Conditions:
Axenfeld-Rieger syndrome type 3 (RIEG3). Also called: AXENFELD-RIEGER ANOMALY WITH CARDIAC DEFECTS AND/OR SENSORINEURAL HEARING LOSS. Identifiers: Orphanet 782, MedGen C2678503, MONDO:0011233, OMIM 602482.

Allele frequency attached by ClinVar (database versions not stated): TOPMed below 0.00001; ExAC 0.00001; gnomAD 0.00001; gnomAD exomes 0.00001.
gnomAD v4.1: 10 of 1,613,162 alleles (0.00062%); highest among the groups gnomAD compares: South Asian, 0.0011%; no homozygotes.

Submission:

Labcorp Genetics (formerly Invitae), Labcorp
Classification: Uncertain significance for Axenfeld-Rieger syndrome type 3. Last evaluated: 2023-10-15. Review status: criteria provided, single submitter. Criteria: Invitae Variant Classification Sherloc (09022015). Collection method: clinical testing. Allele origin: germline.
Comment: This sequence change replaces glycine, which is neutral and non-polar, with arginine, which is basic and polar, at codon 525 of the FOXC1 protein (p.Gly525Arg). This variant is present in population databases (rs765972319, gnomAD 0.0009%). This variant has not been reported in the literature in individuals affected with FOXC1-related conditions. An algorithm developed to predict the effect of missense changes on protein structure and function (PolyPhen-2) suggests that this variant is likely to be disruptive. In summary, the available evidence is currently insufficient to determine the role of this variant in disease. Therefore, it has been classified as a Variant of Uncertain Significance.

NM_001453.3(FOXC1):c.1573G>A (p.Gly525Arg)

Gene: FOXC1 (forkhead box C1; plus strand). Cytogenetic location: 6p25.3.
Variant type: single nucleotide variant.
Coding change: c.1573G>A on transcript NM_001453.3 (MANE Select); coding-DNA position 1573, G replaced by A.
Protein change: p.Gly525Arg; replaces glycine 525 with arginine.
Molecular consequence: missense variant.
Genome position (GRCh38, 1-based): chr6:1,612,018, G>A. VCF-style: chr6-1612018-G-A. GRCh37 (hg19) VCF-style: chr6-1612253-G-A.
Other names: short protein forms G525R.
Identifiers: ClinVar variation 3016523 (VCV003016523.3), dbSNP rs765972319, ClinGen allele CA3614931.